The following is an entry in ClinVar:

NM_004155.6(SERPINB9):c.843A>G (p.Glu281=)

Genes: SERPINB9 (serpin family B member 9; minus strand), SERPINB9-AS1 (SERPINB9 antisense RNA 1; plus strand). Cytogenetic location: 6p25.2.
Variant type: single nucleotide variant.
Coding change: c.843A>G on transcript NM_004155.6 (MANE Select); coding-DNA position 843, A replaced by G.
Protein change: p.Glu281=; no amino-acid change (glutamic acid 281 retained).
Molecular consequence: synonymous variant.
Genome position (GRCh38, 1-based): chr6:2,890,451, T>C on the plus strand (A>G on the coding strand, the complement: SERPINB9 is on the minus strand). VCF-style: chr6-2890451-T-C. GRCh37 (hg19) VCF-style: chr6-2890685-T-C.
Identifiers: ClinVar variation 2656179 (VCV002656179.24), dbSNP rs142958579, ClinGen allele CA3617026.

ClinVar aggregate classification (germline): Likely benign (1 of 4 stars; one submission).

Allele frequency attached by ClinVar (database versions not stated): ESP Exome Variant Server 0.00008; gnomAD 0.00012; gnomAD exomes 0.00016; TOPMed 0.00018; ExAC 0.00022.

Submission:

CeGaT Center for Human Genetics Tuebingen
Classification: Likely benign. Last evaluated: 2022-08-01. Review status: criteria provided, single submitter. Criteria: CeGaT Center For Human Genetics Tuebingen Variant Classification Criteria Version 2. Collection method: clinical testing. Allele origin: germline. Affected: yes. Observed: 1 variant allele.
Comment: SERPINB9: BP4, BP7